The following is an entry in ClinVar:

ClinVar aggregate classification (germline): Uncertain significance (1 of 4 stars; one submission).

Conditions:
Familial pulmonary capillary hemangiomatosis (PVOD2). Also called: Pulmonary venoocclusive disease 2, autosomal recessive; Pulmonary venoocclusive disease 2. Identifiers: Orphanet 199241, MedGen C0340848, MONDO:0009329, OMIM 234810.

Submission:

3billion
Classification: Uncertain significance for Familial pulmonary capillary hemangiomatosis. Last evaluated: 2025-06-15. Review status: criteria provided, single submitter. Criteria: ACMG Guidelines, 2015. Collection method: clinical testing. Allele origin: germline. Affected: yes.
Comment: The variant is not observed in the gnomAD v4.1.0 dataset. Predicted Consequence/Location: Missense variant. The majority of the known disease-causing variants of this gene are variants expected to result in premature termination of the protein. In silico tool predictions suggest damaging effect of the variant on gene or gene product [3Cnet: 0.87 (> 0.75, sensitivity 0.96 and precision 0.92)]. Therefore, this variant is classified as VUS according to the recommendation of ACMG/AMP guideline.

NM_001013703.4(EIF2AK4):c.394T>C (p.Ser132Pro)

Gene: EIF2AK4 (eukaryotic translation initiation factor 2 alpha kinase 4; plus strand). Cytogenetic location: 15q15.1.
Variant type: single nucleotide variant.
Coding change: c.394T>C on transcript NM_001013703.4 (MANE Select); coding-DNA position 394, T replaced by C.
Protein change: p.Ser132Pro; replaces serine 132 with proline.
Molecular consequence: missense variant.
Genome position (GRCh38, 1-based): chr15:39,949,149, T>C. VCF-style: chr15-39949149-T-C. GRCh37 (hg19) VCF-style: chr15-40241350-T-C.
Other names: short protein forms S132P.
Identifiers: ClinVar variation 4854536 (VCV004854536.1).
Genomic context (GRCh38, chr15:39,949,149, plus strand): 5'-GTGGTTGATTTTTGTTTACATGTTTAGGTGATGATCTTTGAACTGGCTTACCACGTGCAG[T>C]CATTTCTCAGCGAGCATAACAAGCCCCCTCCCAAGTCTTTTCATGAAGAAATGCTGGAAA-3'
Protein context (NP_001013725.2, residues 122-142): MIFELAYHVQ[Ser132Pro]FLSEHNKPPP